The following is an entry in ClinVar:

NM_001008537.3(NEXMIF):c.3737G>A (p.Ser1246Asn)

Gene: NEXMIF (neurite extension and migration factor; minus strand). Cytogenetic location: Xq13.3.
Variant type: single nucleotide variant.
Coding change: c.3737G>A on transcript NM_001008537.3 (MANE Select); coding-DNA position 3737, G replaced by A.
Protein change: p.Ser1246Asn; replaces serine 1246 with asparagine.
Molecular consequence: missense variant.
Genome position (GRCh38, 1-based): chrX:74,740,820, C>T on the plus strand (G>A on the coding strand, the complement: NEXMIF is on the minus strand). VCF-style: chrX-74740820-C-T. GRCh37 (hg19) VCF-style: chrX-73960655-C-T.
Other names: short protein forms S1246N.
Identifiers: ClinVar variation 2501633 (VCV002501633.5), dbSNP rs2080100008, ClinGen allele CA413664861.

ClinVar aggregate classification (germline): Uncertain significance. Review status: criteria provided, multiple submitters, no conflicts (2 of 4 stars). 2 submissions from 2 submitters: Uncertain significance (2). Last evaluated 2026-08-26.

Allele frequency attached by ClinVar (database versions not stated): gnomAD 0.00001; TOPMed 0.00001.
gnomAD v4.1: 1 of 1,210,793 alleles (0.000083%); highest among the groups gnomAD compares: Admixed American, 0.0022%; no homozygotes.

Submissions (2):

GeneDx
Classification: Uncertain significance. Last evaluated: 2026-08-26. Review status: criteria provided, single submitter. Criteria: GeneDx Variant Classification Process June 2021. Collection method: clinical testing. Allele origin: germline.
Comment: Not observed at significant frequency in large population cohorts (gnomAD); In silico analysis suggests that this missense variant does not alter protein structure/function; Has not been previously published as pathogenic or benign to our knowledge

Labcorp Genetics (formerly Invitae), Labcorp
Classification: Uncertain significance. Last evaluated: 2024-03-04. Review status: criteria provided, single submitter. Criteria: Invitae Variant Classification Sherloc (09022015). Collection method: clinical testing. Allele origin: germline.
Comment: This sequence change replaces serine, which is neutral and polar, with asparagine, which is neutral and polar, at codon 1246 of the NEXMIF protein (p.Ser1246Asn). This variant is not present in population databases (gnomAD no frequency). This variant has not been reported in the literature in individuals affected with NEXMIF-related conditions. ClinVar contains an entry for this variant (Variation ID: 2501633). An algorithm developed to predict the effect of missense changes on protein structure and function (PolyPhen-2) suggests that this variant is likely to be tolerated. In summary, the available evidence is currently insufficient to determine the role of this variant in disease. Therefore, it has been classified as a Variant of Uncertain Significance.